The following is an entry in ClinVar:

NM_001267550.2(TTN):c.92666G>A (p.Gly30889Asp)

Genes: TTN-AS1 (TTN antisense RNA 1; plus strand), TTN (titin; minus strand). Cytogenetic location: 2q31.2.
Variant type: single nucleotide variant.
Coding change: c.92666G>A on transcript NM_001267550.2 (MANE Select); coding-DNA position 92666, G replaced by A.
Protein change: p.Gly30889Asp; replaces glycine 30889 with aspartic acid.
Molecular consequence: missense variant.
Genome position (GRCh38, 1-based): chr2:178,548,960, C>T on the plus strand (G>A on the coding strand, the complement: TTN is on the minus strand). VCF-style: chr2-178548960-C-T. GRCh37 (hg19) VCF-style: chr2-179413687-C-T.
Other names: c.92666G>A (NM_001267550.1); c.87743G>A, p.Gly29248Asp (NM_001256850.1); c.65471G>A, p.Gly21824Asp (NM_003319.4); c.65846G>A, p.Gly21949Asp (NM_133432.3); c.66047G>A, p.Gly22016Asp (NM_133437.4); c.84962G>A, p.Gly28321Asp (NM_133378.4); short protein forms G28321D, G30889D, G21824D, G29248D, G21949D, G22016D.
Identifiers: ClinVar variation 180006 (VCV000180006.17), dbSNP rs727505280, ClinGen allele CA185622.

ClinVar aggregate classification (germline): Uncertain significance. Review status: criteria provided, multiple submitters, no conflicts (2 of 4 stars). 7 submissions from 7 submitters: Uncertain significance (7). Last evaluated 2025-07-30.

Conditions:
TTN-related disorder. Also called: TTN-related condition; TTN-related disease; TTN-related disorders.
Dilated cardiomyopathy 1G (CMD1G). Identifiers: Orphanet 154, MedGen C1858763, MONDO:0011400, OMIM 604145.
Autosomal recessive limb-girdle muscular dystrophy type 2J (LGMDR10). Also called: Limb-girdle muscular dystrophy, type 2J; MUSCULAR DYSTROPHY, LIMB-GIRDLE, AUTOSOMAL RECESSIVE 10. Identifiers: Orphanet 140922, MedGen C1837342, MONDO:0012127, OMIM 608807.
Tibial muscular dystrophy (TMD). Also called: Udd Distal Myopathy – Tibial Muscular Dystrophy; UDD MYOPATHY; Tibial muscular dystrophy, tardive. Identifiers: Orphanet 609, MedGen C1838244, MONDO:0010870, OMIM 600334.
Myopathy, myofibrillar, 9, with early respiratory failure (MFM9). Also called: Hereditary myopathy with early respiratory failure; EDSTROM MYOPATHY; MYOPATHY, PROXIMAL, WITH EARLY RESPIRATORY MUSCLE INVOLVEMENT; Myopathy, distal, with early respiratory failure, autosomal dominant. Identifiers: Orphanet 178464, Orphanet 34521, MedGen C1863599, MONDO:0011362, OMIM 603689.
Hypertrophic cardiomyopathy 9. Also called: Familial hypertrophic cardiomyopathy 9. Identifiers: MedGen C1861065, MONDO:0013412, OMIM 613765.
Early-onset myopathy with fatal cardiomyopathy (CMYO5). Also called: CONGENITAL MYOPATHY 5 WITH CARDIOMYOPATHY; Salih Myopathy. Identifiers: Orphanet 289377, MedGen C2673677, MONDO:0012714, OMIM 611705. Disease mechanism: loss of function.

Allele frequency attached by ClinVar (database versions not stated): gnomAD 0.00001 and 0.00002; gnomAD exomes 0.00001 and 0.00006; ExAC 0.00002; TOPMed 0.00002.
gnomAD v4.1: 84 of 1,613,790 alleles (0.0052%); highest among the groups gnomAD compares: Non-Finnish European, 0.0068%; no homozygotes.

Submissions (7):

PreventionGenetics, part of Exact Sciences
Classification: Uncertain significance for TTN-related condition. Last evaluated: 2025-07-30. Review status: criteria provided, single submitter. Criteria: ACMG Guidelines, 2015. Collection method: clinical testing. Allele origin: germline.
Comment: The TTN c.92666G>A variant is predicted to result in the amino acid substitution p.Gly30889Asp. To our knowledge, this variant has not been reported in the literature. This variant is reported in 0.0033% of alleles in individuals of South Asian descent in gnomAD. At this time, the clinical significance of this variant is uncertain due to the absence of conclusive functional and genetic evidence.

GeneDx
Classification: Uncertain significance. Last evaluated: 2025-04-15. Review status: criteria provided, single submitter. Criteria: GeneDx Variant Classification Process June 2021. Collection method: clinical testing. Allele origin: germline.
Comment: Not observed at significant frequency in large population cohorts (gnomAD); Missense variant in a gene in which most reported pathogenic variants are truncating/loss of function; Has not been previously published as pathogenic or benign to our knowledge; This variant is associated with the following publications: (PMID: 29420653)

Revvity Omics, Revvity
Classification: Uncertain significance. Last evaluated: 2022-10-04. Review status: criteria provided, single submitter. Criteria: ACMG Guidelines, 2015. Collection method: clinical testing. Allele origin: germline.

Fulgent Genetics
Classification: Uncertain significance for Tibial muscular dystrophy; Myopathy, myofibrillar, 9, with early respiratory failure; Dilated cardiomyopathy 1G; Autosomal recessive limb-girdle muscular dystrophy type 2J; Early-onset myopathy with fatal cardiomyopathy; Hypertrophic cardiomyopathy 9. Last evaluated: 2021-11-04. Review status: criteria provided, single submitter. Criteria: ACMG Guidelines, 2015. Collection method: clinical testing. Allele origin: unknown.

Eurofins Ntd Llc (ga)
Classification: Uncertain significance. Last evaluated: 2016-04-19. Review status: criteria provided, single submitter. Criteria: EGL Classification Definitions 2015. Collection method: clinical testing. Allele origin: germline. Observed: 2 variant alleles, 2 heterozygotes.

Labcorp Genetics (formerly Invitae), Labcorp
Classification: Uncertain significance for Dilated cardiomyopathy 1G; Autosomal recessive limb-girdle muscular dystrophy type 2J. Last evaluated: 2016-04-09. Review status: criteria provided, single submitter. Criteria: Invitae Variant Classification Sherloc (09022015). Collection method: clinical testing. Allele origin: germline.

Laboratory for Molecular Medicine, Mass General Brigham Personalized Medicine
Classification: Uncertain significance. Last evaluated: 2014-09-10. Review status: criteria provided, single submitter. Criteria: LMM Criteria. Collection method: clinical testing. Allele origin: germline. Observed: 1 variant allele.
Comment: The Gly28321Asp variant in TTN has not been previously reported in individuals w ith cardiomyopathy and was absent from large population studies. Computational prediction tools and conservation analysis do not provide strong support for or against an impact to the protein. In summary, the clinical significance of the G ly28321Asp variant is uncertain.